The following is an entry in ClinVar:

ClinVar aggregate classification (germline): Conflicting classifications of pathogenicity. Review status: criteria provided, conflicting classifications (1 of 4 stars). 2 submissions from 2 submitters: Uncertain significance (1); Likely benign (1). Last evaluated 2025-12-02.

Conditions:
Inborn genetic diseases. Identifiers: MedGen C0950123, MeSH D030342.

gnomAD v4.1: 46 of 1,614,062 alleles (0.0028%); highest among the groups gnomAD compares: Admixed American, 0.077%; no homozygotes.

Submissions (2):

Ambry Genetics
Classification: Likely benign for Inborn genetic diseases. Last evaluated: 2025-12-02. Review status: criteria provided, single submitter. Criteria: Ambry Variant Classification Scheme 2023. Collection method: clinical testing. Allele origin: germline.

Labcorp Genetics (formerly Invitae), Labcorp
Classification: Uncertain significance. Last evaluated: 2024-03-15. Review status: criteria provided, single submitter. Criteria: Invitae Variant Classification Sherloc (09022015). Collection method: clinical testing. Allele origin: germline.
Comment: This sequence change replaces alanine, which is neutral and non-polar, with valine, which is neutral and non-polar, at codon 3085 of the MACF1 protein (p.Ala3085Val). This variant is present in population databases (no rsID available, gnomAD 0.03%). This variant has not been reported in the literature in individuals affected with MACF1-related conditions. An algorithm developed to predict the effect of missense changes on protein structure and function (PolyPhen-2) suggests that this variant is likely to be disruptive. In summary, the available evidence is currently insufficient to determine the role of this variant in disease. Therefore, it has been classified as a Variant of Uncertain Significance.

NM_001394062.1(MACF1):c.15440C>T (p.Ala5147Val)

Gene: MACF1 (microtubule actin crosslinking factor 1; plus strand). Cytogenetic location: 1p34.3.
Variant type: single nucleotide variant.
Coding change: c.15440C>T on transcript NM_001394062.1 (MANE Select); coding-DNA position 15440, C replaced by T.
Protein change: p.Ala5147Val; replaces alanine 5147 with valine.
Molecular consequence: missense variant.
Genome position (GRCh38, 1-based): chr1:39,388,282, C>T. VCF-style: chr1-39388282-C-T. GRCh37 (hg19) VCF-style: chr1-39853954-C-T.
Other names: c.9254C>T (NM_012090.4); c.9254C>T, p.Ala3085Val (NM_012090.5); short protein forms A3085V, A5147V.
Identifiers: ClinVar variation 3670234 (VCV003670234.3).